The following is an entry in ClinVar:

ClinVar aggregate classification (germline): Uncertain significance (1 of 4 stars; one submission).

Submission:

GeneDx
Classification: Uncertain significance. Last evaluated: 2025-02-25. Review status: criteria provided, single submitter. Criteria: GeneDx Variant Classification Process June 2021. Collection method: clinical testing. Allele origin: germline. Affected: yes.
Comment: Not observed at significant frequency in large population cohorts (gnomAD); In silico analysis supports that this missense variant has a deleterious effect on protein structure/function; Has not been previously published as pathogenic or benign to our knowledge

NM_000080.4(CHRNE):c.380A>G (p.Asn127Ser)

Genes: C17orf107 (chromosome 17 open reading frame 107; plus strand), CHRNE (cholinergic receptor nicotinic epsilon subunit; minus strand). Cytogenetic location: 17p13.2.
Variant type: single nucleotide variant.
Coding change: c.380A>G on transcript NM_000080.4 (MANE Select); coding-DNA position 380, A replaced by G.
Protein change: p.Asn127Ser; replaces asparagine 127 with serine.
Molecular consequence: missense variant. On other transcripts: 3 prime UTR variant (1).
Genome position (GRCh38, 1-based): chr17:4,902,052, T>C on the plus strand (A>G on the coding strand, the complement: CHRNE is on the minus strand). VCF-style: chr17-4902052-T-C. GRCh37 (hg19) VCF-style: chr17-4805347-T-C.
Other names: c.*1519T>C (NM_001145536.2); short protein forms N127S.
Identifiers: ClinVar variation 4076570 (VCV004076570.1).